The following is an entry in ClinVar:

NM_199420.4(POLQ):c.4670T>C (p.Ile1557Thr)

Gene: POLQ (DNA polymerase theta; minus strand). Cytogenetic location: 3q13.33.
Variant type: single nucleotide variant.
Coding change: c.4670T>C on transcript NM_199420.4 (MANE Select); coding-DNA position 4670, T replaced by C.
Protein change: p.Ile1557Thr; replaces isoleucine 1557 with threonine.
Molecular consequence: missense variant.
Genome position (GRCh38, 1-based): chr3:121,488,261, A>G on the plus strand (T>C on the coding strand, the complement: POLQ is on the minus strand). VCF-style: chr3-121488261-A-G. GRCh37 (hg19) VCF-style: chr3-121207108-A-G.
Other names: short protein forms I1557T.
Identifiers: ClinVar variation 2448623 (VCV002448623.2), dbSNP rs779833132, ClinGen allele CA2562861.

ClinVar aggregate classification (germline): Uncertain significance (1 of 4 stars; one submission).

Allele frequency attached by ClinVar (database versions not stated): ExAC 0.00001; gnomAD 0.00001; gnomAD exomes 0.00001; TOPMed 0.00003.
gnomAD v4.1: 21 of 1,612,658 alleles (0.0013%); highest among the groups gnomAD compares: Non-Finnish European, 0.0018%; no homozygotes.

Submission:

Ambry Genetics
Classification: Uncertain significance. Last evaluated: 2023-03-03. Review status: criteria provided, single submitter. Criteria: Ambry Variant Classification Scheme 2023. Collection method: clinical testing. Allele origin: germline.
Comment: The p.I1557T variant (also known as c.4670T>C), located in coding exon 16 of the POLQ gene, results from a T to C substitution at nucleotide position 4670. The isoleucine at codon 1557 is replaced by threonine, an amino acid with similar properties. This amino acid position is conserved. In addition, this alteration is predicted to be tolerated by in silico analysis. Since supporting evidence is limited at this time, the clinical significance of this alteration remains unclear.